The following is an entry in ClinVar:

ClinVar aggregate classification (germline): Pathogenic (3 of 4 stars; one submission).

Conditions:
Breast-ovarian cancer, familial, susceptibility to, 2 (BROVCA2). Also called: BRCA2 Hereditary Breast and Ovarian Cancer. Identifiers: Orphanet 145, MedGen C2675520, MONDO:0012933, OMIM 612555. Disease mechanism: loss of function.

Submission:

Evidence-based Network for the Interpretation of Germline Mutant Alleles (ENIGMA)
Classification: Pathogenic for Breast-ovarian cancer, familial, susceptibility to, 2. Last evaluated: 2017-12-15. Review status: reviewed by expert panel. Criteria: ENIGMA BRCA1/2 Classification Criteria (2017-06-29). Collection method: curation. Allele origin: germline. Study: ENIGMA.
Comment: Variant allele predicted to encode a truncated non-functional protein.

NM_000059.4(BRCA2):c.1703_1704insG (p.Gln569fs)

Gene: BRCA2 (BRCA2 DNA repair associated; plus strand). Cytogenetic location: 13q13.1.
Variant type: Insertion.
Coding change: c.1703_1704insG on transcript NM_000059.4 (MANE Select); coding-DNA positions 1703 to 1704, G inserted.
Protein change: p.Gln569fs; shifts the reading frame from glutamine 569.
Molecular consequence: frameshift variant.
Genome position: GRCh38 VCF-style: chr13-32333181-C-CG. GRCh37 (hg19) VCF-style: chr13-32907318-C-CG.
Other names: short protein forms Q569fs.
Identifiers: ClinVar variation 548436 (VCV000548436.1), dbSNP rs1555282023, ClinGen allele CA658823577.
Genomic context (GRCh38, chr13:32,333,181, plus strand): 5'-AGAAGGAGGACTCCTTATGTCCAAATTTAATTGATAATGGAAGCTGGCCAGCCACCACCA[C>CG]ACAGAATTCTGTAGCTTTGAAGAATGCAGGTTTAATATCCACTTTGAAAAAGAAAACAAA-3'